The following is an entry in ClinVar:

ClinVar aggregate classification (germline): Pathogenic (1 of 4 stars; one submission).

Conditions:
Alpha thalassemia-X-linked intellectual disability syndrome (ATRX). Also called: ALPHA-THALASSEMIA/MENTAL RETARDATION SYNDROME, X-LINKED; ATR, NONDELETION TYPE; ATR-X syndrome; Alpha thalassemia mental retardation syndrome, nondeletion type, X-linked; XLMR hypotonic face syndrome; X-linked alpha-thalassemia-mental retardation syndrome. Identifiers: Orphanet 847, MedGen C1845055, MONDO:0010519, OMIM 301040.

Submission:

Labcorp Genetics (formerly Invitae), Labcorp
Classification: Pathogenic for Alpha thalassemia-X-linked intellectual disability syndrome. Last evaluated: 2023-07-28. Review status: criteria provided, single submitter. Criteria: Invitae Variant Classification Sherloc (09022015). Collection method: clinical testing. Allele origin: unknown.
Comment: For these reasons, this variant has been classified as Pathogenic. This variant disrupts a region of the ATRX protein in which other variant(s) (p.Arg246Cys) have been determined to be pathogenic (PMID: 9326931, 16955409, 20500465, 24327140). This suggests that this is a clinically significant region of the protein, and that variants that disrupt it are likely to be disease-causing. This variant has not been reported in the literature in individuals affected with ATRX-related conditions. This variant results in the deletion of exons 2-14 and part of exon 15 (c.21-1595_4553del) of the ATRX gene. It is expected to disrupt RNA splicing. Variants that disrupt the donor or acceptor splice site typically lead to a loss of protein function (PMID: 16199547), and loss-of-function variants in ATRX are known to be pathogenic (PMID: 15591283, 18409179, 23681356).

Literature cited by the submitters: PubMed 9326931; PubMed 16955409; PubMed 20500465; PubMed 24327140; PubMed 16199547; PubMed 15591283; PubMed 18409179; PubMed 23681356.

NC_000023.10:g.(?_76907608)_(76974315_?)del

Gene: ATRX (ATRX chromatin remodeler; minus strand). Cytogenetic location: Xq21.1.
Variant type: Deletion.
Identifiers: ClinVar variation 3244530 (VCV003244530.1).